The following is an entry in ClinVar:

NM_001110556.2(FLNA):c.3157C>T (p.Pro1053Ser)

Gene: FLNA (filamin A; minus strand). Cytogenetic location: Xq28.
Variant type: single nucleotide variant.
Coding change: c.3157C>T on transcript NM_001110556.2 (MANE Select); coding-DNA position 3157, C replaced by T.
Protein change: p.Pro1053Ser; replaces proline 1053 with serine.
Molecular consequence: missense variant.
Genome position (GRCh38, 1-based): chrX:154,361,358, G>A on the plus strand (C>T on the coding strand, the complement: FLNA is on the minus strand). VCF-style: chrX-154361358-G-A. GRCh37 (hg19) VCF-style: chrX-153589726-G-A.
Other names: c.3157C>T, p.Pro1053Ser (NM_001456.4); short protein forms P1053S.
Identifiers: ClinVar variation 5021912 (VCV005021912.1).

ClinVar aggregate classification (germline): Uncertain significance (1 of 4 stars; one submission).

Conditions:
Familial thoracic aortic aneurysm and aortic dissection (TAAD). Also called: Thoracic aortic aneurysms and dissections. Identifiers: Orphanet 91387, MedGen C4707243, MONDO:0019625.

gnomAD v4.1: 1 of 1,208,183 alleles (0.000083%); highest among the groups gnomAD compares: Non-Finnish European, 0.00011%; no homozygotes.

Submission:

Ambry Genetics
Classification: Uncertain significance for Familial thoracic aortic aneurysm and aortic dissection. Last evaluated: 2026-07-17. Review status: criteria provided, single submitter. Criteria: Ambry Variant Classification Scheme 2023. Collection method: clinical testing. Allele origin: germline.
Comment: The p.P1053S variant (also known as c.3157C>T), located in coding exon 20 of the FLNA gene, results from a C to T substitution at nucleotide position 3157. The proline at codon 1053 is replaced by serine, an amino acid with similar properties. This amino acid position is conserved. In addition, the in silico prediction for this alteration is inconclusive. Based on the available evidence, the clinical significance of this variant remains unclear.